The following is an entry in ClinVar:

NM_022042.4(SLC26A1):c.238G>A (p.Gly80Ser)

Genes: IDUA (alpha-L-iduronidase; plus strand), SLC26A1 (solute carrier family 26 member 1; minus strand). Cytogenetic location: 4p16.3.
Variant type: single nucleotide variant.
Coding change: c.238G>A on transcript NM_022042.4 (MANE Select); coding-DNA position 238, G replaced by A.
Protein change: p.Gly80Ser; replaces glycine 80 with serine.
Molecular consequence: missense variant. On other transcripts: intron variant (1).
Genome position (GRCh38, 1-based): chr4:991,466, C>T on the plus strand (G>A on the coding strand, the complement: SLC26A1 is on the minus strand). VCF-style: chr4-991466-C-T. GRCh37 (hg19) VCF-style: chr4-985254-C-T.
Other names: c.238G>A, p.Gly80Ser (NM_134425.4, NM_213613.4); c.299+3517C>T (NM_000203.5); short protein forms G80S.
Identifiers: ClinVar variation 2900879 (VCV002900879.4), dbSNP rs374288131, ClinGen allele CA2801731.
Genomic context (GRCh38, chr4:991,466, plus strand): 5'-AGATGGGCTGCAGCCCGGCCAGCAATGAGTAGGCGATGGCCTGCGGCACCAGGATGATGC[C>T]GATGACCAGCCCAGACATGACGTCGCCTGCCAGGTACTCCCGCGGGCGGTACTGACGCAG-3'
Protein context (NP_071325.2, residues 70-90): AGDVMSGLVI[Gly80Ser]IILVPQAIAY

ClinVar aggregate classification (germline): Uncertain significance. Review status: criteria provided, multiple submitters, no conflicts (2 of 4 stars). 2 submissions from 2 submitters: Uncertain significance (2). Last evaluated 2024-05-22.

Conditions:
Hypersulfaturia (HYSULF). Identifiers: MedGen C5830511, MONDO:0957268, OMIM 620372.
Nephrolithiasis susceptibility caused by SLC26A1 (CAON1). Also called: NEPHROLITHIASIS, CALCIUM OXALATE, 1. Identifiers: MedGen C5779632, MONDO:0020722, OMIM 167030.

Allele frequency attached by ClinVar (database versions not stated): TOPMed 0.00007; ESP Exome Variant Server 0.00008; gnomAD 0.00009; ExAC 0.00027.
gnomAD v4.1: 123 of 1,612,362 alleles (0.0076%); highest among the groups gnomAD compares: Middle Eastern, 0.033%; no homozygotes.

Submissions (2):

Fulgent Genetics
Classification: Uncertain significance for Nephrolithiasis susceptibility caused by SLC26A1; Hypersulfaturia. Last evaluated: 2024-05-22. Review status: criteria provided, single submitter. Criteria: ACMG Guidelines, 2015. Collection method: clinical testing. Allele origin: germline.

Labcorp Genetics (formerly Invitae), Labcorp
Classification: Uncertain significance. Last evaluated: 2024-04-09. Review status: criteria provided, single submitter. Criteria: Invitae Variant Classification Sherloc (09022015). Collection method: clinical testing. Allele origin: germline.
Comment: This sequence change replaces glycine, which is neutral and non-polar, with serine, which is neutral and polar, at codon 80 of the SLC26A1 protein (p.Gly80Ser). This variant is present in population databases (rs374288131, gnomAD 0.03%). This variant has not been reported in the literature in individuals affected with SLC26A1-related conditions. Advanced modeling of protein sequence and biophysical properties (such as structural, functional, and spatial information, amino acid conservation, physicochemical variation, residue mobility, and thermodynamic stability) performed at Invitae indicates that this missense variant is not expected to disrupt SLC26A1 protein function with a negative predictive value of 80%. In summary, the available evidence is currently insufficient to determine the role of this variant in disease. Therefore, it has been classified as a Variant of Uncertain Significance.